The following is an entry in ClinVar:

NM_001242896.3(DEPDC5):c.4608G>T (p.Gln1536His)

Gene: DEPDC5 (DEP domain containing 5, GATOR1 subcomplex subunit; plus strand). Cytogenetic location: 22q12.3.
Variant type: single nucleotide variant.
Coding change: c.4608G>T on transcript NM_001242896.3 (MANE Select); coding-DNA position 4608, G replaced by T.
Protein change: p.Gln1536His; replaces glutamine 1536 with histidine.
Molecular consequence: missense variant. On other transcripts: non-coding transcript variant (5).
Genome position (GRCh38, 1-based): chr22:31,906,293, G>T. VCF-style: chr22-31906293-G-T. GRCh37 (hg19) VCF-style: chr22-32302279-G-T.
Other names: c.4581G>T, p.Gln1527His (NM_001136029.4); c.4308G>T, p.Gln1436His (NM_001242897.2); c.4542G>T, p.Gln1514His (NM_001363852.2, NM_001364320.2); c.4374G>T, p.Gln1458His (NM_001363854.2, NM_001364319.2); c.4608G>T, p.Gln1536His (NM_001364318.2); c.4524G>T, p.Gln1508His (NM_001369901.1, NM_001369902.1); c.4515G>T, p.Gln1505His (NM_001369903.1, NM_014662.6); short protein forms Q1436H, Q1514H, Q1536H, Q1505H, Q1508H, Q1458H, Q1527H.
Identifiers: ClinVar variation 2753694 (VCV002753694.3), dbSNP rs2093757838, ClinGen allele CA411292528.

ClinVar aggregate classification (germline): Uncertain significance (1 of 4 stars; one submission).

Conditions:
Familial focal epilepsy with variable foci (FPEVF). Identifiers: Orphanet 98820, MedGen C1858477, MONDO:0020310.

Submission:

Labcorp Genetics (formerly Invitae), Labcorp
Classification: Uncertain significance for Familial focal epilepsy with variable foci. Last evaluated: 2023-08-18. Review status: criteria provided, single submitter. Criteria: Invitae Variant Classification Sherloc (09022015). Collection method: clinical testing. Allele origin: germline.
Comment: In summary, the available evidence is currently insufficient to determine the role of this variant in disease. Therefore, it has been classified as a Variant of Uncertain Significance. Experimental studies and prediction algorithms are not available or were not evaluated, and the functional significance of this variant is currently unknown. This variant has not been reported in the literature in individuals affected with DEPDC5-related conditions. This variant is not present in population databases (gnomAD no frequency). This sequence change replaces glutamine, which is neutral and polar, with histidine, which is basic and polar, at codon 1536 of the DEPDC5 protein (p.Gln1536His).